The following is an entry in ClinVar:

ClinVar aggregate classification (germline): Uncertain significance. Review status: criteria provided, multiple submitters, no conflicts (2 of 4 stars). 5 submissions from 4 submitters: Uncertain significance (5). Last evaluated 2023-04-11.

Conditions:
Inborn genetic diseases. Identifiers: MedGen C0950123, MeSH D030342.
Neu-Laxova syndrome 1 (NLS1). Identifiers: Orphanet 2671, Orphanet 583607, MedGen C4551478, MONDO:0009736, OMIM 256520. Disease mechanism: loss of function.
PHGDH deficiency. Identifiers: Orphanet 79351, MedGen C1866174, MONDO:0011152, OMIM 601815.

Allele frequency attached by ClinVar (database versions not stated): gnomAD exomes 0.00001; ExAC 0.00002; TOPMed 0.00002; gnomAD 0.00003; ESP Exome Variant Server 0.00015; 1000 Genomes Project 30x 0.00016; 1000 Genomes Project 0.00020.
gnomAD v4.1: 21 of 1,614,098 alleles (0.0013%); highest among the groups gnomAD compares: African/African-American, 0.02%; no homozygotes.

Submissions (5):

Genome-Nilou Lab
Classification: Uncertain significance for Neu-Laxova syndrome 1. Last evaluated: 2023-04-11. Review status: criteria provided, single submitter. Criteria: ACMG Guidelines, 2015. Collection method: clinical testing. Allele origin: germline. Affected: no.

Genome-Nilou Lab
Classification: Uncertain significance for PHGDH deficiency. Last evaluated: 2023-04-11. Review status: criteria provided, single submitter. Criteria: ACMG Guidelines, 2015. Collection method: clinical testing. Allele origin: germline. Affected: no.

Ambry Genetics
Classification: Uncertain significance for Inborn genetic diseases. Last evaluated: 2022-10-18. Review status: criteria provided, single submitter. Criteria: Ambry Variant Classification Scheme 2023. Collection method: clinical testing. Allele origin: germline.

Labcorp Genetics (formerly Invitae), Labcorp
Classification: Uncertain significance for PHGDH deficiency. Last evaluated: 2022-08-19. Review status: criteria provided, single submitter. Criteria: Invitae Variant Classification Sherloc (09022015). Collection method: clinical testing. Allele origin: germline.
Comment: This sequence change replaces glutamine, which is neutral and polar, with histidine, which is basic and polar, at codon 29 of the PHGDH protein (p.Gln29His). This variant is present in population databases (rs147049140, gnomAD 0.008%). This variant has not been reported in the literature in individuals affected with PHGDH-related conditions. Algorithms developed to predict the effect of missense changes on protein structure and function are either unavailable or do not agree on the potential impact of this missense change (SIFT: "Deleterious"; PolyPhen-2: "Benign"; Align-GVGD: "Class C0"). In summary, the available evidence is currently insufficient to determine the role of this variant in disease. Therefore, it has been classified as a Variant of Uncertain Significance.

Mayo Clinic Laboratories, Mayo Clinic
Classification: Uncertain significance. Last evaluated: 2021-12-28. Review status: criteria provided, single submitter. Criteria: ACMG Guidelines, 2015. Collection method: clinical testing. Allele origin: germline. Observed: 1 variant allele.
Comment: PM2

NM_006623.4(PHGDH):c.87G>T (p.Gln29His)

Gene: PHGDH (phosphoglycerate dehydrogenase; plus strand). Cytogenetic location: 1p12.
Variant type: single nucleotide variant.
Coding change: c.87G>T on transcript NM_006623.4 (MANE Select); coding-DNA position 87, G replaced by T.
Protein change: p.Gln29His; replaces glutamine 29 with histidine.
Molecular consequence: missense variant.
Genome position (GRCh38, 1-based): chr1:119,712,109, G>T. VCF-style: chr1-119712109-G-T. GRCh37 (hg19) VCF-style: chr1-120254732-G-T.
Other names: p.Gln29His; short protein forms Q29H.
Identifiers: ClinVar variation 2070861 (VCV002070861.4), dbSNP rs147049140, ClinGen allele CA1036912.